The following is an entry in ClinVar:

NM_012306.4(FAIM2):c.327C>T (p.Ile109=)

Gene: FAIM2 (Fas apoptotic inhibitory molecule 2; minus strand). Cytogenetic location: 12q13.12.
Variant type: single nucleotide variant.
Coding change: c.327C>T on transcript NM_012306.4 (MANE Select); coding-DNA position 327, C replaced by T.
Protein change: p.Ile109=; no amino-acid change (isoleucine 109 retained).
Molecular consequence: synonymous variant.
Genome position (GRCh38, 1-based): chr12:49,897,572, G>A on the plus strand (C>T on the coding strand, the complement: FAIM2 is on the minus strand). VCF-style: chr12-49897572-G-A. GRCh37 (hg19) VCF-style: chr12-50291355-G-A.
Identifiers: ClinVar variation 2642972 (VCV002642972.24), dbSNP rs147548351, ClinGen allele CA6558956.

ClinVar aggregate classification (germline): Likely benign (1 of 4 stars; one submission).

Allele frequency attached by ClinVar (database versions not stated): 1000 Genomes Project 30x 0.00031; 1000 Genomes Project 0.00040; ExAC 0.00053; ESP Exome Variant Server 0.00062; gnomAD 0.00064; TOPMed 0.00076; gnomAD exomes 0.00099.
gnomAD v4.1: 1,539 of 1,614,036 alleles (0.095%); highest among the groups gnomAD compares: Non-Finnish European, 0.12%; 1 homozygote.

Submission:

CeGaT Center for Human Genetics Tuebingen
Classification: Likely benign. Last evaluated: 2023-09-01. Review status: criteria provided, single submitter. Criteria: CeGaT Center For Human Genetics Tuebingen Variant Classification Criteria Version 2. Collection method: clinical testing. Allele origin: germline. Affected: yes. Observed: 1 variant allele.
Comment: FAIM2: BP4